The following is an entry in ClinVar:

NM_000321.3(RB1):c.2449G>A (p.Glu817Lys)

Gene: RB1 (RB transcriptional corepressor 1; plus strand). Cytogenetic location: 13q14.2.
Variant type: single nucleotide variant.
Coding change: c.2449G>A on transcript NM_000321.3 (MANE Select); coding-DNA position 2449, G replaced by A.
Protein change: p.Glu817Lys; replaces glutamic acid 817 with lysine.
Molecular consequence: missense variant.
Genome position (GRCh38, 1-based): chr13:48,465,328, G>A. VCF-style: chr13-48465328-G-A. GRCh37 (hg19) VCF-style: chr13-49039464-G-A.
Other names: c.2449G>A, p.Glu817Lys (NM_001407165.1); short protein forms E817K.
Identifiers: ClinVar variation 5027949 (VCV005027949.1).

ClinVar aggregate classification (germline): Uncertain significance (1 of 4 stars; one submission).

Conditions:
Hereditary cancer-predisposing syndrome. Also called: Neoplastic Syndromes, Hereditary; Tumor predisposition; Hereditary neoplastic syndrome; Hereditary Cancer Syndrome. Identifiers: Orphanet 140162, MedGen C0027672, MeSH D009386, MONDO:0015356.

Submission:

Ambry Genetics
Classification: Uncertain significance for Hereditary cancer-predisposing syndrome. Last evaluated: 2026-07-07. Review status: criteria provided, single submitter. Criteria: Ambry Variant Classification Scheme 2023. Collection method: clinical testing. Allele origin: germline.
Comment: The p.E817K variant (also known as c.2449G>A), located in coding exon 23 of the RB1 gene, results from a G to A substitution at nucleotide position 2449. The glutamic acid at codon 817 is replaced by lysine, an amino acid with similar properties. This amino acid position is conserved. In addition, the in silico prediction for this alteration is inconclusive. Based on the available evidence, the clinical significance of this variant remains unclear.